The following is an entry in ClinVar:

ClinVar aggregate classification (germline): Benign/Likely benign. Review status: criteria provided, multiple submitters, no conflicts (2 of 4 stars). 3 submissions from 3 submitters: Benign (1); Likely benign (2). Last evaluated 2026-02-03.

Conditions:
Renal cell carcinoma. Identifiers: Orphanet 217071, MedGen C0007134, MeSH D002292, MONDO:0005086, HP:0005584.
Hereditary cancer-predisposing syndrome. Also called: Tumor predisposition; Hereditary Cancer Syndrome; Neoplastic Syndromes, Hereditary; Hereditary neoplastic syndrome. Identifiers: Orphanet 140162, MedGen C0027672, MeSH D009386, MONDO:0015356.
Papillary renal cell carcinoma type 1 (RCCP1). Also called: RENAL CELL CARCINOMA, PAPILLARY, 1, SOMATIC; Renal adenocarcinoma; Renal cell carcinoma 1; Renal cell carcinoma, somatic. Identifiers: Orphanet 47044, MedGen C1336839, OMIM 605074, HP:0011797.

Allele frequency attached by ClinVar (database versions not stated): gnomAD exomes 0.00001.
gnomAD v4.1: 3 of 1,614,056 alleles (0.00019%); highest among the groups gnomAD compares: East Asian, 0.0022%; no homozygotes.

Submissions (3):

Labcorp Genetics (formerly Invitae), Labcorp
Classification: Likely benign for Renal cell carcinoma. Last evaluated: 2026-02-03. Review status: criteria provided, single submitter. Criteria: Invitae Variant Classification Sherloc (09022015). Collection method: clinical testing. Allele origin: germline.

Myriad Genetics, Inc.
Classification: Benign for Papillary renal cell carcinoma type 1. Last evaluated: 2024-11-11. Review status: criteria provided, single submitter. Criteria: Myriad Autosomal Dominant, Autosomal Recessive and X-Linked Classification Criteria (2023). Collection method: clinical testing. Allele origin: unknown.
Comment: This variant is considered benign. This variant is a silent/synonymous amino acid change and it is not expected to impact splicing.

Ambry Genetics
Classification: Likely benign for Hereditary cancer-predisposing syndrome. Last evaluated: 2019-11-21. Review status: criteria provided, single submitter. Criteria: Ambry Variant Classification Scheme 2023. Collection method: clinical testing. Allele origin: germline.

NM_000245.4(MET):c.2514T>C (p.Asn838=)

Gene: MET (MET proto-oncogene, receptor tyrosine kinase; plus strand). Cytogenetic location: 7q31.2.
Variant type: single nucleotide variant.
Coding change: c.2514T>C on transcript NM_000245.4 (MANE Select); coding-DNA position 2514, T replaced by C.
Protein change: p.Asn838=; no amino-acid change (asparagine 838 retained).
Molecular consequence: synonymous variant.
Genome position (GRCh38, 1-based): chr7:116,763,199, T>C. VCF-style: chr7-116763199-T-C. GRCh37 (hg19) VCF-style: chr7-116403253-T-C.
Other names: c.2568T>C, p.Asn856= (NM_001127500.3); c.2514T>C, p.Asn838= (NM_001324401.3); c.1224T>C, p.Asn408= (NM_001324402.2).
Identifiers: ClinVar variation 1793185 (VCV001793185.8), dbSNP rs1196399036, ClinGen allele CA457441437.
Genomic context (GRCh38, chr7:116,763,199, plus strand): 5'-AGCCTTTTTCATGTTAGATGGGATCCTTTCCAAATACTTTGATCTCATTTATGTACATAA[T>C]CCTGTGTTTAAGCCTTTTGAAAAGCCAGTGATGATCTCAATGGGCAATGAAAATGTACTG-3'
Protein context (NP_000236.2, residues 828-848): SKYFDLIYVH[Asn838=]PVFKPFEKPV